The following is an entry in ClinVar:

NM_000553.6(WRN):c.1833G>A (p.Met611Ile)

Gene: WRN (WRN RecQ like helicase; plus strand). Cytogenetic location: 8p12.
Variant type: single nucleotide variant.
Coding change: c.1833G>A on transcript NM_000553.6 (MANE Select); coding-DNA position 1833, G replaced by A.
Protein change: p.Met611Ile; replaces methionine 611 with isoleucine.
Molecular consequence: missense variant.
Genome position (GRCh38, 1-based): chr8:31,091,833, G>A. VCF-style: chr8-31091833-G-A. GRCh37 (hg19) VCF-style: chr8-30949349-G-A.
Other names: short protein forms M611I.
Identifiers: ClinVar variation 2740436 (VCV002740436.4), dbSNP rs766281234, ClinGen allele CA4704512.

ClinVar aggregate classification (germline): Uncertain significance. Review status: criteria provided, multiple submitters, no conflicts (2 of 4 stars). 2 submissions from 2 submitters: Uncertain significance (2). Last evaluated 2024-02-12.

Conditions:
Inborn genetic diseases. Identifiers: MedGen C0950123, MeSH D030342.
Werner syndrome (WRN). Identifiers: Orphanet 902, MedGen C0043119, MONDO:0010196, OMIM 277700.

Allele frequency attached by ClinVar (database versions not stated): gnomAD exomes below 0.00001; ExAC 0.00001.
gnomAD v4.1: 2 of 1,612,982 alleles (0.00012%); highest among the groups gnomAD compares: Non-Finnish European, 0.00017%; no homozygotes.

Submissions (2):

Ambry Genetics
Classification: Uncertain significance for Inborn genetic diseases. Last evaluated: 2024-02-12. Review status: criteria provided, single submitter. Criteria: Ambry Variant Classification Scheme 2023. Collection method: clinical testing. Allele origin: germline.

Labcorp Genetics (formerly Invitae), Labcorp
Classification: Uncertain significance for Werner syndrome. Last evaluated: 2023-01-14. Review status: criteria provided, single submitter. Criteria: Invitae Variant Classification Sherloc (09022015). Collection method: clinical testing. Allele origin: germline.
Comment: This sequence change replaces methionine, which is neutral and non-polar, with isoleucine, which is neutral and non-polar, at codon 611 of the WRN protein (p.Met611Ile). In summary, the available evidence is currently insufficient to determine the role of this variant in disease. Therefore, it has been classified as a Variant of Uncertain Significance. Algorithms developed to predict the effect of missense changes on protein structure and function output the following: SIFT: "Not Available"; PolyPhen-2: "Benign"; Align-GVGD: "Not Available". The isoleucine amino acid residue is found in multiple mammalian species, which suggests that this missense change does not adversely affect protein function. This variant has not been reported in the literature in individuals affected with WRN-related conditions. This variant is present in population databases (rs766281234, gnomAD 0.0009%).